The following is an entry in ClinVar:

NM_007294.4(BRCA1):c.1385_4186-2276del

Genes: BRCA1 (BRCA1 DNA repair associated; minus strand), LOC126862571 (BRD4-independent group 4 enhancer GRCh37_chr17:41243136-41244335; plus strand). Cytogenetic location: 17q21.31.
Variant type: Deletion.
Coding change: c.1385_4186-2276del on transcript NM_007294.4 (MANE Select); coding-DNA position 1385 through 2276 bases into the intron before coding-DNA position 4186, 9,296 bases deleted.
Molecular consequence: splice acceptor variant, splice donor variant.
Genome position (GRCh38, 1-based): chr17:43,084,851-43,094,146, 9,296 bases deleted. GRCh37 (hg19): chr17:41,236,869-41,246,164.
Other names: c.1262_4063-2276del (NM_001407937.1, NM_001407669.1, NM_001407665.1 and 13 more transcripts); c.787+598_877-2279del (NM_001407979.1, NM_001407982.1, NM_001407980.1 and 6 more transcripts); c.787+598_877-2276del (NM_001407977.1, NM_001407970.1, NM_001407993.1 and 8 more transcripts); c.1385_4186-2279del (NM_001407642.1, NM_001407625.1, NM_001407640.1 and 4 more transcripts); c.1385_4186-2276del (NM_001407619.1, NM_001407684.1, NM_001407594.1 and 23 more transcripts); c.1244_4045-2276del (NM_001407724.1, NM_001407697.1, NM_001407737.1 and 23 more transcripts); c.1241_4042-2276del (NM_001407838.1, NM_001407741.1, NM_001407747.1 and 17 more transcripts); c.646+598_736-2276del (NM_001408410.1, NM_001408458.1, NM_001408453.1 and 8 more transcripts); and 64 more.
Identifiers: ClinVar variation 429036 (VCV000429036.2), ClinGen allele CA645369660.

ClinVar aggregate classification (germline): Pathogenic (1 of 4 stars; one submission).

Conditions:
Hereditary breast ovarian cancer syndrome. Also called: Hereditary breast and/or ovarian cancer syndrome; Hereditary breast and ovarian cancer syndrome (HBOC); Breast and ovarian cancer; Hereditary breast and ovarian cancer syndrome; BRCA1- and BRCA2-Associated Hereditary Breast and Ovarian Cancer; Hereditary breast and ovarian cancer. Identifiers: Orphanet 145, MedGen C0677776, MeSH D061325, MONDO:0003582. Disease mechanism: loss of function.

Submission:

Labcorp Genetics (formerly Invitae), Labcorp
Classification: Pathogenic for Hereditary breast ovarian cancer syndrome. Last evaluated: 2016-12-19. Review status: criteria provided, single submitter. Criteria: Invitae Variant Classification Sherloc (09022015). Collection method: clinical testing. Allele origin: germline.
Comment: This variant is a gross deletion of the genomic region encompassing the last 2712 nucleotides of exon 10 and all of exon 11 of the BRCA1 gene (c.1385_4186-2276del). The 5' breakpoint of this deletion is within exon 10 at nucleotide 1385, and the 3' breakpoint is within intron 11 at nucleotide 4186-2276. This creates a frameshift at residue 462 and is expected to result in an absent or disrupted protein product. A similar deletion involving exons 10-11, which in the literature are also known as exons 11-12, has been reported in an individual with breast cancer (PMID: 18703817). For these reasons, this variant has been classified as Pathogenic.